The following is an entry in ClinVar:

NM_017654.4(SAMD9):c.1538G>A (p.Trp513Ter)

Gene: SAMD9 (sterile alpha motif domain containing 9; minus strand). Cytogenetic location: 7q21.2.
Variant type: single nucleotide variant.
Coding change: c.1538G>A on transcript NM_017654.4 (MANE Select); coding-DNA position 1538, G replaced by A.
Protein change: p.Trp513Ter; replaces tryptophan 513 with a stop codon.
Molecular consequence: nonsense.
Genome position (GRCh38, 1-based): chr7:93,104,560, C>T on the plus strand (G>A on the coding strand, the complement: SAMD9 is on the minus strand). VCF-style: chr7-93104560-C-T. GRCh37 (hg19) VCF-style: chr7-92733873-C-T.
Other names: c.1538G>A, p.Trp513Ter (NM_001193307.2); short protein forms W513*.
Identifiers: ClinVar variation 2696512 (VCV002696512.3), dbSNP rs2535360405, ClinGen allele CA368195958.

ClinVar aggregate classification (germline): Uncertain significance (1 of 4 stars; one submission).

Submission:

Labcorp Genetics (formerly Invitae), Labcorp
Classification: Uncertain significance. Last evaluated: 2023-11-17. Review status: criteria provided, single submitter. Criteria: Invitae Variant Classification Sherloc (09022015). Collection method: clinical testing. Allele origin: germline.
Comment: This sequence change creates a premature translational stop signal (p.Trp513*) in the SAMD9 gene. While this is not anticipated to result in nonsense mediated decay, it is expected to disrupt the last 1077 amino acid(s) of the SAMD9 protein. This variant is not present in population databases (gnomAD no frequency). This variant has not been reported in the literature in individuals affected with SAMD9-related conditions. Experimental studies and prediction algorithms are not available or were not evaluated, and the functional significance of this variant is currently unknown. In summary, the available evidence is currently insufficient to determine the role of this variant in disease. Therefore, it has been classified as a Variant of Uncertain Significance.